The following is an entry in ClinVar:

ClinVar aggregate classification (germline): Pathogenic (1 of 4 stars; one submission).

Conditions:
Polycystic kidney disease, adult type (PKD1). Also called: Polycystic Kidney, Autosomal Dominant; POLYCYSTIC KIDNEY DISEASE 1 WITH OR WITHOUT POLYCYSTIC LIVER DISEASE; POLYCYSTIC KIDNEY DISEASE, ADULT, TYPE I; Polycystic Kidney Disease 1, Autosomal Dominant; Polycystic kidney disease 1; Polycystic kidney disease 1, severe. Identifiers: MedGen C3149841, MONDO:0008263, OMIM 173900.

Submission:

Juno Genomics, Hangzhou Juno Genomics, Inc
Classification: Pathogenic for Polycystic kidney disease, adult type. Review status: criteria provided, single submitter. Criteria: ACMG Guidelines, 2015. Collection method: clinical testing. Allele origin: germline. Affected: yes.
Comment: Null variant in a gene where loss of function (LOF) is a known mechanism of disease.;Absent from controls (or at extremely low frequency if recessive) in Genome Aggregation Database, Exome Sequencing Project, 1000 Genomes Project, or Exome Aggregation Consortium.;Patient's phenotype or family history is highly specific for a disease with a single genetic etiology.

NM_001009944.3(PKD1):c.10012dup (p.Leu3338fs)

Gene: PKD1 (polycystin 1, transient receptor potential channel interacting; minus strand). Cytogenetic location: 16p13.3.
Variant type: Duplication.
Coding change: c.10012dup on transcript NM_001009944.3 (MANE Select); coding-DNA position 10012, one base duplicated (C; older notation c.10012dupC).
Protein change: p.Leu3338fs; shifts the reading frame from leucine 3338.
Molecular consequence: frameshift variant.
Genome position (GRCh38, 1-based): chr16:2,099,682, G duplicated on the plus strand (C on the coding strand, the reverse complement: PKD1 is on the minus strand); the first of 2 consecutive G bases (chr16:2,099,682-2,099,683); duplicating either gives the same sequence. VCF-style (leftmost placement, unchanged base first): chr16-2099681-A-AG. GRCh37 (hg19) VCF-style: chr16-2149682-A-AG.
Other names: c.10012dup, p.Leu3338fs (NM_000296.4); short protein forms L3338fs.
Identifiers: ClinVar variation 3335829 (VCV003335829.2).